The following is an entry in ClinVar:

NM_001257293.2(HNRNPH1):c.1077CTT[1] (p.Phe360del)

Genes: HNRNPH1 (heterogeneous nuclear ribonucleoprotein H1; minus strand), LOC128966623 (uncharacterized LOC128966623; plus strand). Cytogenetic location: 5q35.3.
Variant type: Microsatellite.
Coding change: c.1077CTT[1] on transcript NM_001257293.2 (MANE Select); one copy of the 3-base unit CTT starting at c.1077; the reference has two copies in a row; one copy, 3 bases deleted.
Protein change: p.Phe360del; deletes phenylalanine 360.
Molecular consequence: intron variant (on NM_001364247.2).
Genome position (GRCh38, 1-based): chr5:179,617,086-179,617,088, AAG deleted on the plus strand (CTT on the coding strand, the reverse complement: HNRNPH1 is on the minus strand); deleting any 3 consecutive bases within chr5:179,617,086-179,617,092 gives the same sequence; the position shown is the placement nearest the transcript's 3' end. VCF-style (leftmost placement, unchanged base first): chr5-179617085-CAAG-C. GRCh37 (hg19) VCF-style: chr5-179044086-CAAG-C.
Other names: c.1077CTT[1], p.Phe360del (NM_001363572.2, NM_001364225.2, NM_001364226.2 and 24 more transcripts); c.1056CTT[1], p.Phe353del (NM_001364240.2, NM_001364241.2, NM_001364242.2 and 6 more transcripts); c.1058-130_1058-128del (NM_001364247.2, NM_001395177.1, NM_001364246.2); c.921CTT[1], p.Phe308del (NM_001364250.2); c.474CTT[1], p.Phe159del (NM_001364251.2, NM_001364252.2, NM_001364253.2 and 4 more transcripts); c.846CTT[1], p.Phe283del (NM_001395190.1); c.759CTT[1], p.Phe254del (NM_001395191.1, NM_001395192.1); c.666CTT[1], p.Phe223del (NM_001395193.1); short protein forms F159del, F223del, F254del, F283del, F308del, F353del, F360del.
Identifiers: ClinVar variation 3778280 (VCV003778280.7).

ClinVar aggregate classification (germline): Uncertain significance (1 of 4 stars; one submission).

Submission:

CeGaT Center for Human Genetics Tuebingen
Classification: Uncertain significance. Last evaluated: 2025-03-01. Review status: criteria provided, single submitter. Criteria: CeGaT Center For Human Genetics Tuebingen Variant Classification Criteria Version 2. Collection method: clinical testing. Allele origin: germline. Affected: yes. Observed: 1 variant allele.
Comment: HNRNPH1: PM2, PM4:Supporting